The following is an entry in ClinVar:

NM_018116.4(MSTO1):c.1633C>A (p.His545Asn)

Gene: MSTO1 (misato mitochondrial distribution and morphology regulator 1; plus strand). Cytogenetic location: 1q22.
Variant type: single nucleotide variant.
Coding change: c.1633C>A on transcript NM_018116.4 (MANE Select); coding-DNA position 1633, C replaced by A.
Protein change: p.His545Asn; replaces histidine 545 with asparagine.
Molecular consequence: missense variant. On other transcripts: non-coding transcript variant (6).
Genome position (GRCh38, 1-based): chr1:155,614,193, C>A. VCF-style: chr1-155614193-C-A. GRCh37 (hg19) VCF-style: chr1-155583984-C-A.
Other names: c.1630C>A, p.His544Asn (NM_001256532.1); c.1597C>A, p.His533Asn (NM_001256533.1); c.1600C>A, p.His534Asn (NM_001350772.1); c.1096C>A, p.His366Asn (NM_001350783.1); c.1090C>A, p.His364Asn (NM_001350784.1, NM_001350785.1); c.1136C>A, p.Ala379Glu (NM_001350786.1); c.1057C>A, p.His353Asn (NM_001350787.1); c.1124C>A, p.Ala375Glu (NM_001350788.1); and 8 more; short protein forms A372E, A375E, A379E, A553E, A556E, A557E, H353N, H364N.
Identifiers: ClinVar variation 1879095 (VCV001879095.29), dbSNP rs543213250, ClinGen allele CA1148297.

ClinVar aggregate classification (germline): Conflicting classifications of pathogenicity. Review status: criteria provided, conflicting classifications (1 of 4 stars). 2 submissions from 2 submitters: Uncertain significance (1); Likely benign (1). Last evaluated 2026-09-01.

Conditions:
Inborn genetic diseases. Identifiers: MedGen C0950123, MeSH D030342.

Allele frequency attached by ClinVar (database versions not stated): ExAC 0.00032; 1000 Genomes Project 0.00080; 1000 Genomes Project 30x 0.00094.

Submissions (2):

CeGaT Center for Human Genetics Tuebingen
Classification: Likely benign. Last evaluated: 2026-09-01. Review status: criteria provided, single submitter. Criteria: CeGaT Center For Human Genetics Tuebingen Variant Classification Criteria Version 2. Collection method: clinical testing. Allele origin: germline. Affected: yes. Observed: 3 variant alleles.
Comment: MSTO1: BP4

Ambry Genetics
Classification: Uncertain significance for Inborn genetic diseases. Last evaluated: 2025-12-04. Review status: criteria provided, single submitter. Criteria: Ambry Variant Classification Scheme 2023. Collection method: clinical testing. Allele origin: germline.